The following is an entry in ClinVar:

ClinVar aggregate classification (germline): Likely pathogenic (1 of 4 stars; one submission).

Conditions:
Ataxia-telangiectasia syndrome (AT). Also called: Ataxia-telangiectasia, complementation group E; Ataxia telangiectasia (A-T); LOUIS-BAR SYNDROME; Ataxia-telangiectasia, complementation group D; AT, COMPLEMENTATION GROUP C; ATAXIA-TELANGIECTASIA, COMPLEMENTATION GROUP A. Identifiers: Orphanet 100, MedGen C0004135, MONDO:0008840, OMIM 208900.

Submission:

Natera, Inc.
Classification: Likely pathogenic for Ataxia-telangiectasia. Last evaluated: 2025-08-13. Review status: criteria provided, single submitter. Criteria: Natera Variant Classification Schema (03/2026). Collection method: clinical testing. Allele origin: germline.
Comment: The c.1742T>A variant in ATM is a nonsense variant predicted to introduce a stop codon at amino acid 581. This variant is expected to result in nonsense mediated decay, truncation, or a dysfunctional protein product. This variant is rare in the general population with a frequency below the threshold expected for the associated phenotype(s). Given the available evidence, this variant is classified as Likely Pathogenic.

NM_000051.4(ATM):c.1742T>A (p.Leu581Ter)

Gene: ATM (ATM serine/threonine kinase; plus strand). Cytogenetic location: 11q22.3.
Variant type: single nucleotide variant.
Coding change: c.1742T>A on transcript NM_000051.4 (MANE Select); coding-DNA position 1742, T replaced by A.
Protein change: p.Leu581Ter; replaces leucine 581 with a stop codon.
Molecular consequence: nonsense.
Genome position (GRCh38, 1-based): chr11:108,251,971, T>A. VCF-style: chr11-108251971-T-A. GRCh37 (hg19) VCF-style: chr11-108122698-T-A.
Other names: c.1742T>A, p.Leu581Ter (NM_001351834.2); short protein forms L581*.
Identifiers: ClinVar variation 4814320 (VCV004814320.1).
Genomic context (GRCh38, chr11:108,251,971, plus strand): 5'-AAAATATGTGTGAAGTAAATAGAAGCTTTTCTTTAAAGGAATCAATAATGAAATGGCTCT[T>A]ATTCTATCAGTTAGAGGGTGACTTAGAAAATAGCACAGAAGTGCCTCCAATTCTTCACAG-3'